The following is an entry in ClinVar:

NM_015910.7(WDPCP):c.444A>G (p.Lys148=)

Gene: WDPCP (WD repeat containing planar cell polarity effector; minus strand). Cytogenetic location: 2p15.
Variant type: single nucleotide variant.
Coding change: c.444A>G on transcript NM_015910.7 (MANE Select); coding-DNA position 444, A replaced by G.
Protein change: p.Lys148=; no amino-acid change (lysine 148 retained).
Molecular consequence: synonymous variant. On other transcripts: non-coding transcript variant (2).
Genome position (GRCh38, 1-based): chr2:63,439,812, T>C on the plus strand (A>G on the coding strand, the complement: WDPCP is on the minus strand). VCF-style: chr2-63439812-T-C. GRCh37 (hg19) VCF-style: chr2-63666946-T-C.
Other names: c.372A>G, p.Lys124= (NM_001354044.2); c.444A>G, p.Lys148= (NM_001354045.2).
Identifiers: ClinVar variation 4988718 (VCV004988718.1).

ClinVar aggregate classification (germline): Likely benign (1 of 4 stars; one submission).

Conditions:
WDPCP-related disorder. Also called: WDPCP-related condition.

gnomAD v4.1: 4 of 1,613,230 alleles (0.00025%); highest among the groups gnomAD compares: Non-Finnish European, 0.00034%; no homozygotes.

Submission:

PreventionGenetics, part of Exact Sciences
Classification: Likely benign for WDPCP-related condition. Last evaluated: 2025-12-22. Review status: criteria provided, single submitter. Criteria: ACMG Guidelines, 2015. Collection method: clinical testing. Allele origin: germline.
Comment: This variant is classified as likely benign based on ACMG/AMP sequence variant interpretation guidelines (Richards et al. 2015 PMID: 25741868, with internal and published modifications).